The following is an entry in ClinVar:

ClinVar aggregate classification (germline): Uncertain significance (1 of 4 stars; one submission).

Conditions:
Ataxia-telangiectasia syndrome (AT). Also called: Ataxia-telangiectasia, complementation group D; AT, COMPLEMENTATION GROUP C; ATAXIA-TELANGIECTASIA, COMPLEMENTATION GROUP A; ATAXIA-TELANGIECTASIA, FRESNO VARIANT; Ataxia-telangiectasia; Cerebello-oculocutaneous telangiectasia. Identifiers: Orphanet 100, MedGen C0004135, MONDO:0008840, OMIM 208900.

Submission:

Labcorp Genetics (formerly Invitae), Labcorp
Classification: Uncertain significance for Ataxia-telangiectasia syndrome. Last evaluated: 2018-05-22. Review status: criteria provided, single submitter. Criteria: Invitae Variant Classification Sherloc (09022015). Collection method: clinical testing. Allele origin: germline.
Comment: This sequence change replaces proline with alanine at codon 383 of the ATM protein (p.Pro383Ala). The proline residue is moderately conserved and there is a small physicochemical difference between proline and alanine. Experimental studies have shown that this missense change does not affect ATM function in response to ionizing radiation (PMID: 27602502). This variant is not present in population databases (ExAC no frequency). This variant has not been reported in the literature in individuals with ATM-related disease. In summary, the available evidence is currently insufficient to determine the role of this variant in disease. Therefore, it has been classified as a Variant of Uncertain Significance.

Literature cited by the submitters: PubMed 27602502.

NM_000051.4(ATM):c.1147C>G (p.Pro383Ala)

Gene: ATM (ATM serine/threonine kinase; plus strand). Cytogenetic location: 11q22.3.
Variant type: single nucleotide variant.
Coding change: c.1147C>G on transcript NM_000051.4 (MANE Select); coding-DNA position 1147, C replaced by G.
Protein change: p.Pro383Ala; replaces proline 383 with alanine.
Molecular consequence: missense variant.
Genome position (GRCh38, 1-based): chr11:108,249,014, C>G. VCF-style: chr11-108249014-C-G. GRCh37 (hg19) VCF-style: chr11-108119741-C-G.
Other names: c.1147C>G, p.Pro383Ala (NM_001351834.2); short protein forms P383A.
Identifiers: ClinVar variation 1001330 (VCV001001330.8), dbSNP rs864622650, ClinGen allele CA382532478.
Genomic context (GRCh38, chr11:108,249,014, plus strand): 5'-TCCTTGGAGATTTCTCAATCTTACACTACTACACAAAGAGAATCTAGTGATTACAGTGTC[C>G]CTTGCAAAAGGAAGAAAATAGAACTAGGCTGGGAAGTAATAAAAGATCACCTTCAGAAGT-3'
Protein context (NP_000042.3, residues 373-393): TQRESSDYSV[Pro383Ala]CKRKKIELGW